The following is an entry in ClinVar:

NM_000051.4(ATM):c.6041A>C (p.Glu2014Ala)

Genes: ATM (ATM serine/threonine kinase; plus strand), C11orf65 (chromosome 11 open reading frame 65; minus strand). Cytogenetic location: 11q22.3.
Variant type: single nucleotide variant.
Coding change: c.6041A>C on transcript NM_000051.4 (MANE Select); coding-DNA position 6041, A replaced by C.
Protein change: p.Glu2014Ala; replaces glutamic acid 2014 with alanine.
Molecular consequence: missense variant. On other transcripts: intron variant (2).
Genome position (GRCh38, 1-based): chr11:108,315,857, A>C. VCF-style: chr11-108315857-A-C. GRCh37 (hg19) VCF-style: chr11-108186584-A-C.
Other names: c.6041A>C, p.Glu2014Ala (NM_001351834.2); c.641-6786T>G (NM_001330368.2); c.*39-6786T>G (NM_001351110.2); short protein forms E2014A.
Identifiers: ClinVar variation 4827600 (VCV004827600.1).

ClinVar aggregate classification (germline): Uncertain significance (1 of 4 stars; one submission).

Conditions:
Hereditary cancer-predisposing syndrome. Also called: Tumor predisposition; Hereditary neoplastic syndrome; Hereditary Cancer Syndrome; Neoplastic Syndromes, Hereditary. Identifiers: Orphanet 140162, MedGen C0027672, MeSH D009386, MONDO:0015356.

Submission:

Ambry Genetics
Classification: Uncertain significance for Hereditary cancer-predisposing syndrome. Last evaluated: 2026-03-10. Review status: criteria provided, single submitter. Criteria: Ambry Variant Classification Scheme 2023. Collection method: clinical testing. Allele origin: germline.
Comment: The p.E2014A variant (also known as c.6041A>C), located in coding exon 40 of the ATM gene, results from an A to C substitution at nucleotide position 6041. The glutamic acid at codon 2014 is replaced by alanine, an amino acid with dissimilar properties. In an assay testing ATM function, this variant showed a functionally abnormal result (Lee KS et al. Cell, 2025 Sep;188:5081-5099.e27). This amino acid position is highly conserved in available vertebrate species. In addition, the in silico prediction for this alteration is inconclusive. Based on the available evidence, the clinical significance of this variant remains unclear.

Literature cited by the submitters: PubMed 40580951.